The following is an entry in ClinVar:

NM_001128431.4(SLC39A14):c.786G>A (p.Ser262=)

Gene: SLC39A14 (solute carrier family 39 member 14; plus strand). Cytogenetic location: 8p21.3.
Variant type: single nucleotide variant.
Coding change: c.786G>A on transcript NM_001128431.4 (MANE Select); coding-DNA position 786, G replaced by A.
Protein change: p.Ser262=; no amino-acid change (serine 262 retained).
Molecular consequence: synonymous variant.
Genome position (GRCh38, 1-based): chr8:22,415,804, G>A. VCF-style: chr8-22415804-G-A. GRCh37 (hg19) VCF-style: chr8-22273317-G-A.
Other names: c.786G>A, p.Ser262= (NM_001135153.3, NM_001135154.3, NM_001351655.2 and 3 more transcripts); c.816G>A, p.Ser272= (NM_001351657.2, NM_001351658.2, NM_001351659.2).
Identifiers: ClinVar variation 2184412 (VCV002184412.6), dbSNP rs140196421, ClinGen allele CA4667445.

ClinVar aggregate classification (germline): Likely benign. Review status: criteria provided, multiple submitters, no conflicts (2 of 4 stars). 2 submissions from 2 submitters: Likely benign (2). Last evaluated 2026-05-01.

Allele frequency attached by ClinVar (database versions not stated): gnomAD 0.00003; ExAC 0.00004; ESP Exome Variant Server 0.00008.
gnomAD v4.1: 28 of 1,612,868 alleles (0.0017%); highest among the groups gnomAD compares: Admixed American, 0.0067%; no homozygotes.

Submissions (2):

CeGaT Center for Human Genetics Tuebingen
Classification: Likely benign. Last evaluated: 2026-05-01. Review status: criteria provided, single submitter. Criteria: CeGaT Center For Human Genetics Tuebingen Variant Classification Criteria Version 2. Collection method: clinical testing. Allele origin: germline. Affected: yes. Observed: 1 variant allele.
Comment: SLC39A14: BP4, BP7

Labcorp Genetics (formerly Invitae), Labcorp
Classification: Likely benign. Last evaluated: 2024-12-26. Review status: criteria provided, single submitter. Criteria: Invitae Variant Classification Sherloc (09022015). Collection method: clinical testing. Allele origin: germline.